The following is an entry in ClinVar:

ClinVar aggregate classification (germline): Uncertain significance (1 of 4 stars; one submission).

Allele frequency attached by ClinVar (database versions not stated): gnomAD exomes 0.00012; gnomAD 0.00015; TOPMed 0.00027; 1000 Genomes Project 30x 0.00031.
gnomAD v4.1: 137 of 1,097,252 alleles (0.012%); highest among the groups gnomAD compares: Middle Eastern, 0.31%; no homozygotes.

Submission:

Ambry Genetics
Classification: Uncertain significance. Last evaluated: 2024-04-15. Review status: criteria provided, single submitter. Criteria: Ambry Variant Classification Scheme 2023. Collection method: clinical testing. Allele origin: germline.
Comment: The c.136G>A (p.A46T) alteration is located in exon (coding exon ) of the MLXIP gene. This alteration results from a G to A substitution at nucleotide position 136, causing the alanine (A) at amino acid position 46 to be replaced by a threonine (T). Based on insufficient or conflicting evidence, the clinical significance of this alteration remains unclear.

NM_014938.6(MLXIP):c.136G>A (p.Ala46Thr)

Genes: MLXIP (MLX interacting protein; plus strand), LOC130009029 (ATAC-STARR-seq lymphoblastoid silent region 5009; plus strand). Cytogenetic location: 12q24.31.
Variant type: single nucleotide variant.
Coding change: c.136G>A on transcript NM_014938.6 (MANE Select); coding-DNA position 136, G replaced by A.
Protein change: p.Ala46Thr; replaces alanine 46 with threonine.
Molecular consequence: missense variant.
Genome position (GRCh38, 1-based): chr12:122,078,989, G>A. VCF-style: chr12-122078989-G-A. GRCh37 (hg19) VCF-style: chr12-122516895-G-A.
Other names: short protein forms A46T.
Identifiers: ClinVar variation 2349921 (VCV002349921.3), dbSNP rs749022808, ClinGen allele CA6841459.